The following is an entry in ClinVar:

NM_020738.4(KIDINS220):c.3754A>G (p.Ile1252Val)

Gene: KIDINS220 (kinase D interacting substrate 220; minus strand). Cytogenetic location: 2p25.1.
Variant type: single nucleotide variant.
Coding change: c.3754A>G on transcript NM_020738.4 (MANE Select); coding-DNA position 3754, A replaced by G.
Protein change: p.Ile1252Val; replaces isoleucine 1252 with valine.
Molecular consequence: missense variant. On other transcripts: non-coding transcript variant (2).
Genome position (GRCh38, 1-based): chr2:8,734,717, T>C on the plus strand (A>G on the coding strand, the complement: KIDINS220 is on the minus strand). VCF-style: chr2-8734717-T-C. GRCh37 (hg19) VCF-style: chr2-8874847-T-C.
Other names: c.3754A>G (NM_020738.2); c.3757A>G, p.Ile1253Val (NM_001348729.2); c.3700A>G, p.Ile1234Val (NM_001348731.2); c.3697A>G, p.Ile1233Val (NM_001348732.2, NM_001348738.2); c.3586A>G, p.Ile1196Val (NM_001348734.2, NM_001348739.2, NM_001348740.2); c.3583A>G, p.Ile1195Val (NM_001348735.2, NM_001348741.2, NM_001348742.2 and 1 more transcripts); c.3457A>G, p.Ile1153Val (NM_001348736.2); short protein forms I1253V, I1153V, I1196V, I1234V, I1252V, I1195V, I1233V.
Identifiers: ClinVar variation 1520557 (VCV001520557.7), dbSNP rs377648666, ClinGen allele CA42328909.
Genomic context (GRCh38, chr2:8,734,717, plus strand): 5'-TGCTTCTGAAAAGGTGCCAGTCTCCAAAATTCATATTCATCTCTTTCTTCAGCTCATCAA[T>C]GTTACACTGAGCTAACACACGGCCATTTATGTTTGCCTGAGTAAAAATTAAAACAATTAT-3'
Protein context (NP_065789.1, residues 1242-1262): INGRVLAQCN[Ile1252Val]DELKKEMNMN

ClinVar aggregate classification (germline): Uncertain significance. Review status: criteria provided, single submitter (1 of 4 stars). 2 submissions from 2 submitters: Uncertain significance (1). 1 of the submissions does not count toward it. Last evaluated 2023-04-20.

Conditions:
KIDINS220-related disorder. Also called: KIDINS220-related condition.

Allele frequency attached by ClinVar (database versions not stated): TOPMed 0.00002; ESP Exome Variant Server 0.00008.

Submissions (2):

Labcorp Genetics (formerly Invitae), Labcorp
Classification: Uncertain significance. Last evaluated: 2023-04-20. Review status: criteria provided, single submitter. Criteria: Invitae Variant Classification Sherloc (09022015). Collection method: clinical testing. Allele origin: germline.
Comment: This variant is not present in population databases (gnomAD no frequency). This sequence change replaces isoleucine, which is neutral and non-polar, with valine, which is neutral and non-polar, at codon 1252 of the KIDINS220 protein (p.Ile1252Val). This variant has not been reported in the literature in individuals affected with KIDINS220-related conditions. In summary, the available evidence is currently insufficient to determine the role of this variant in disease. Therefore, it has been classified as a Variant of Uncertain Significance. Algorithms developed to predict the effect of missense changes on protein structure and function output the following: SIFT: "Not Available"; PolyPhen-2: "Benign"; Align-GVGD: "Not Available". The valine amino acid residue is found in multiple mammalian species, which suggests that this missense change does not adversely affect protein function. ClinVar contains an entry for this variant (Variation ID: 1520557).

PreventionGenetics, part of Exact Sciences
Classification: Uncertain significance for KIDINS220-related condition. Last evaluated: 2024-05-03. Review status: no assertion criteria provided. Collection method: clinical testing. Allele origin: germline. Not counted in ClinVar's aggregate classification.
Comment: The KIDINS220 c.3754A>G variant is predicted to result in the amino acid substitution p.Ile1252Val. To our knowledge, this variant has not been reported in the literature or in a large population database, indicating this variant is rare. At this time, the clinical significance of this variant is uncertain due to the absence of conclusive functional and genetic evidence.